The following is an entry in ClinVar:

NC_000008.10:g.(?_118803587)_(118819524_?)del

Gene: EXT1 (exostosin glycosyltransferase 1; minus strand). Cytogenetic location: 8q24.11.
Variant type: Deletion.
Identifiers: ClinVar variation 1459667 (VCV001459667.4).

ClinVar aggregate classification (germline): Pathogenic (1 of 4 stars; one submission).

Conditions:
Multiple congenital exostosis (EXT). Also called: Multiple osteochondromas; MULTIPLE CARTILAGINOUS EXOSTOSES; Hereditary multiple exostoses; Hereditary multiple exostosis; Hereditary multiple osteochondromas; Multiple exostoses. Identifiers: Orphanet 321, MedGen C0015306, MONDO:0005508, HP:0002762.

Submission:

Labcorp Genetics (formerly Invitae), Labcorp
Classification: Pathogenic for Multiple congenital exostosis. Last evaluated: 2021-07-28. Review status: criteria provided, single submitter. Criteria: Invitae Variant Classification Sherloc (09022015). Collection method: clinical testing. Allele origin: germline.
Comment: For these reasons, this variant has been classified as Pathogenic. This variant disrupts a region of the EXT1 protein in which other variant(s) (Deletion (Exon 11)) have been determined to be pathogenic (PMID: 21499719). This suggests that this is a clinically significant region of the protein, and that variants that disrupt it are likely to be disease-causing. This variant has not been reported in the literature in individuals affected with EXT1-related conditions. This variant results in the deletion of exons 10-11 and part of exon 9 (c.1815_*8364del) of the EXT1 gene. While this deletion is not anticipated to lead to nonsense mediated decay, it is expected to alter mRNA translation or result in a truncated protein product.

Literature cited by the submitters: PubMed 21499719.